The following is an entry in ClinVar:

NM_005559.4(LAMA1):c.6206G>C (p.Arg2069Thr)

Gene: LAMA1 (laminin subunit alpha 1; minus strand). Cytogenetic location: 18p11.31.
Variant type: single nucleotide variant.
Coding change: c.6206G>C on transcript NM_005559.4 (MANE Select); coding-DNA position 6206, G replaced by C.
Protein change: p.Arg2069Thr; replaces arginine 2069 with threonine.
Molecular consequence: missense variant.
Genome position (GRCh38, 1-based): chr18:6,977,866, C>G on the plus strand (G>C on the coding strand, the complement: LAMA1 is on the minus strand). VCF-style: chr18-6977866-C-G. GRCh37 (hg19) VCF-style: chr18-6977865-C-G.
Other names: short protein forms R2069T.
Identifiers: ClinVar variation 2106668 (VCV002106668.4), dbSNP rs2057689654, ClinGen allele CA401831480.

ClinVar aggregate classification (germline): Uncertain significance (1 of 4 stars; one submission).

Allele frequency attached by ClinVar (database versions not stated): gnomAD exomes 0.00001.
gnomAD v4.1: 4 of 1,612,754 alleles (0.00025%); highest among the groups gnomAD compares: East Asian, 0.0067%; no homozygotes.

Submission:

Labcorp Genetics (formerly Invitae), Labcorp
Classification: Uncertain significance. Last evaluated: 2022-09-06. Review status: criteria provided, single submitter. Criteria: Invitae Variant Classification Sherloc (09022015). Collection method: clinical testing. Allele origin: germline.
Comment: This sequence change replaces arginine, which is basic and polar, with threonine, which is neutral and polar, at codon 2069 of the LAMA1 protein (p.Arg2069Thr). This variant is not present in population databases (gnomAD no frequency). In summary, the available evidence is currently insufficient to determine the role of this variant in disease. Therefore, it has been classified as a Variant of Uncertain Significance. Algorithms developed to predict the effect of missense changes on protein structure and function are either unavailable or do not agree on the potential impact of this missense change (SIFT: "Deleterious"; PolyPhen-2: "Benign"; Align-GVGD: "Class C0"). This variant has not been reported in the literature in individuals affected with LAMA1-related conditions.